The following is an entry in ClinVar:

NM_013254.4(TBK1):c.1595T>C (p.Leu532Pro)

Gene: TBK1 (TANK binding kinase 1; plus strand). Cytogenetic location: 12q14.2.
Variant type: single nucleotide variant.
Coding change: c.1595T>C on transcript NM_013254.4 (MANE Select); coding-DNA position 1595, T replaced by C.
Protein change: p.Leu532Pro; replaces leucine 532 with proline.
Molecular consequence: missense variant.
Genome position (GRCh38, 1-based): chr12:64,495,556, T>C. VCF-style: chr12-64495556-T-C. GRCh37 (hg19) VCF-style: chr12-64889336-T-C.
Other names: short protein forms L532P.
Identifiers: ClinVar variation 1413981 (VCV001413981.6), dbSNP rs1192216525, ClinGen allele CA385604287.
Genomic context (GRCh38, chr12:64,495,556, plus strand): 5'-AGGGAACAATAGAAACCAGTCTTCAGGATATCGACAGCAGATTATCTCCAGGTGGATCAC[T>C]GGCAGACGCATGGGCACATCAAGAAGGCACTCATCCGAAAGACAGAAAGTAGGTTATAGC-3'
Protein context (NP_037386.1, residues 522-542): IDSRLSPGGS[Leu532Pro]ADAWAHQEGT

ClinVar aggregate classification (germline): Uncertain significance (1 of 4 stars; one submission).

Conditions:
Frontotemporal dementia and/or amyotrophic lateral sclerosis 4. Also called: FTDALS4. Identifiers: Orphanet 275872, MedGen C4225325, MONDO:0014641, OMIM 616439.

Allele frequency attached by ClinVar (database versions not stated): gnomAD exomes below 0.00001.
gnomAD v4.1: 1 of 1,614,116 alleles (0.000062%); highest among the groups gnomAD compares: Non-Finnish European, 0.000085%; no homozygotes.

Submission:

Labcorp Genetics (formerly Invitae), Labcorp
Classification: Uncertain significance for Frontotemporal dementia and/or amyotrophic lateral sclerosis 4. Last evaluated: 2025-10-06. Review status: criteria provided, single submitter. Criteria: Invitae Variant Classification Sherloc (09022015). Collection method: clinical testing. Allele origin: germline.
Comment: This sequence change replaces leucine, which is neutral and non-polar, with proline, which is neutral and non-polar, at codon 532 of the TBK1 protein (p.Leu532Pro). This variant is not present in population databases (gnomAD no frequency). This variant has not been reported in the literature in individuals affected with TBK1-related conditions. ClinVar contains an entry for this variant (Variation ID: 1413981). Invitae Evidence Modeling of protein sequence and biophysical properties (such as structural, functional, and spatial information, amino acid conservation, physicochemical variation, residue mobility, and thermodynamic stability) indicates that this missense variant is not expected to disrupt TBK1 protein function with a negative predictive value of 95%. In summary, the available evidence is currently insufficient to determine the role of this variant in disease. Therefore, it has been classified as a Variant of Uncertain Significance.